The following is an entry in ClinVar:

NM_004448.4(ERBB2):c.929C>G (p.Ser310Cys)

Gene: ERBB2 (erb-b2 receptor tyrosine kinase 2; plus strand). Cytogenetic location: 17q12.
Variant type: single nucleotide variant.
Coding change: c.929C>G on transcript NM_004448.4 (MANE Select); coding-DNA position 929, C replaced by G.
Protein change: p.Ser310Cys; replaces serine 310 with cysteine.
Molecular consequence: missense variant. On other transcripts: non-coding transcript variant (1).
Genome position (GRCh38, 1-based): chr17:39,711,955, C>G. VCF-style: chr17-39711955-C-G. GRCh37 (hg19) VCF-style: chr17-37868208-C-G.
Other names: c.839C>G, p.Ser280Cys (NM_001005862.3, NM_001289938.2, NM_001382782.1 and 1 more transcripts); c.884C>G, p.Ser295Cys (NM_001289936.2); c.929C>G, p.Ser310Cys (NM_001382789.1, NM_001382790.1, NM_001382792.1 and 16 more transcripts); c.920C>G, p.Ser307Cys (NM_001382791.1); c.749C>G, p.Ser250Cys (NM_001382799.1); c.671C>G, p.Ser224Cys (NM_001382802.1); c.101C>G, p.Ser34Cys (NM_001382804.1); c.1004C>G, p.Ser335Cys (NM_001382787.1); short protein forms S250C, S295C, S34C, S310C, S280C, S335C, S224C, S307C.
Identifiers: ClinVar variation 2822264 (VCV002822264.3), dbSNP rs1057519816, ClinGen allele CA399282123.

ClinVar aggregate classification (germline): Uncertain significance (1 of 4 stars; one submission).

Submission:

Labcorp Genetics (formerly Invitae), Labcorp
Classification: Uncertain significance. Last evaluated: 2022-12-20. Review status: criteria provided, single submitter. Criteria: Invitae Variant Classification Sherloc (09022015). Collection method: clinical testing. Allele origin: germline.
Comment: This variant has not been reported in the literature in individuals affected with ERBB2-related conditions. This variant is not present in population databases (gnomAD no frequency). This sequence change replaces serine, which is neutral and polar, with cysteine, which is neutral and slightly polar, at codon 310 of the ERBB2 protein (p.Ser310Cys). Advanced modeling of protein sequence and biophysical properties (such as structural, functional, and spatial information, amino acid conservation, physicochemical variation, residue mobility, and thermodynamic stability) performed at Invitae indicates that this missense variant is expected to disrupt ERBB2 protein function. In summary, the available evidence is currently insufficient to determine the role of this variant in disease. Therefore, it has been classified as a Variant of Uncertain Significance.